The following is an entry in ClinVar:

ClinVar aggregate classification (germline): Benign (1 of 4 stars; one submission).

Conditions:
Melanoma-pancreatic cancer syndrome. Identifiers: Orphanet 404560, MedGen C1838547, MONDO:0011713, OMIM 606719. Disease mechanism: loss of function.

Submission:

Myriad Genetics, Inc.
Classification: Benign for Melanoma-pancreatic cancer syndrome. Last evaluated: 2025-08-18. Review status: criteria provided, single submitter. Criteria: Myriad Autosomal Dominant, Autosomal Recessive and X-Linked Classification Criteria (2023). Collection method: clinical testing. Allele origin: unknown.
Comment: This variant is considered benign. This variant is intronic and is not expected to impact mRNA splicing.

NM_000077.5(CDKN2A):c.458-58G>A

Gene: CDKN2A (cyclin dependent kinase inhibitor 2A; minus strand). Cytogenetic location: 9p21.3.
Variant type: single nucleotide variant.
Coding change: c.458-58G>A on transcript NM_000077.5 (MANE Select); 58 bases into the intron before coding-DNA position 458, G replaced by A.
Molecular consequence: intron variant.
Genome position (GRCh38, 1-based): chr9:21,968,300, C>T on the plus strand (G>A on the coding strand, the complement: CDKN2A is on the minus strand). VCF-style: chr9-21968300-C-T. GRCh37 (hg19) VCF-style: chr9-21968299-C-T.
Other names: c.305-58G>A (NM_001363763.2); c.*102-58G>A (NM_058195.4); c.*151-58G>A (NM_001195132.2); c.*381-58G>A (NM_058197.5).
Identifiers: ClinVar variation 4294291 (VCV004294291.1).